The following is an entry in ClinVar:

NM_001277313.2(FMN1):c.45G>A (p.Thr15=)

Gene: FMN1 (formin 1; minus strand). Cytogenetic location: 15q13.3.
Variant type: single nucleotide variant.
Coding change: c.45G>A on transcript NM_001277313.2 (MANE Select); coding-DNA position 45, G replaced by A.
Protein change: p.Thr15=; no amino-acid change (threonine 15 retained).
Molecular consequence: synonymous variant.
Genome position (GRCh38, 1-based): chr15:33,154,870, C>T on the plus strand (G>A on the coding strand, the complement: FMN1 is on the minus strand). VCF-style: chr15-33154870-C-T. GRCh37 (hg19) VCF-style: chr15-33447071-C-T.
Other names: c.45G>A, p.Thr15= (NM_001277314.2).
Identifiers: ClinVar variation 4698440 (VCV004698440.1).
Genomic context (GRCh38, chr15:33,154,870, plus strand): 5'-CTTGTATGAAAATCCTCTGACTTCCCCCTTTGGAAGACAGAAGCTGATGTAGCAGAGTTC[C>T]GTAATGGGCTTATGCAATTGGAGGGTACAATGAGTGCCTTCCATTATGCCTACCTAATTA-3'
Protein context (NP_001264242.1, residues 5-25): HCTLQLHKPI[Thr15=]ELCYISFCLP

ClinVar aggregate classification (germline): Uncertain significance (1 of 4 stars; one submission).

gnomAD v4.1: 18 of 1,536,054 alleles (0.0012%); highest among the groups gnomAD compares: East Asian, 0.0049%; no homozygotes.

Submission:

Labcorp Genetics (formerly Invitae), Labcorp
Classification: Uncertain significance. Last evaluated: 2026-01-12. Review status: criteria provided, single submitter. Criteria: Invitae Variant Classification Sherloc (09022015). Collection method: clinical testing. Allele origin: germline.
Comment: The FMN1 gene has multiple clinically relevant transcripts. This variant occurs in alternate transcript NM_001277314.1, and corresponds to NM_001103184.3:c.-86986G>A in the primary transcript. This sequence change affects codon 15 of the FMN1 mRNA. It is a 'silent' change, meaning that it does not change the encoded amino acid sequence of the FMN1 protein. This variant is present in population databases (no rsID available, gnomAD 0.009%). This variant has not been reported in the literature in individuals affected with FMN1-related conditions. Experimental studies and prediction algorithms are not available or were not evaluated, and the effect of this variant on mRNA splicing is currently unknown. In summary, the available evidence is currently insufficient to determine the role of this variant in disease. Therefore, it has been classified as a Variant of Uncertain Significance.